The following is an entry in ClinVar:

NM_001369.3(DNAH5):c.1362A>G (p.Lys454=)

Gene: DNAH5 (dynein axonemal heavy chain 5; minus strand). Cytogenetic location: 5p15.2.
Variant type: single nucleotide variant.
Coding change: c.1362A>G on transcript NM_001369.3 (MANE Select); coding-DNA position 1362, A replaced by G.
Protein change: p.Lys454=; no amino-acid change (lysine 454 retained).
Molecular consequence: synonymous variant.
Genome position (GRCh38, 1-based): chr5:13,913,917, T>C on the plus strand (A>G on the coding strand, the complement: DNAH5 is on the minus strand). VCF-style: chr5-13913917-T-C. GRCh37 (hg19) VCF-style: chr5-13914026-T-C.
Identifiers: ClinVar variation 351213 (VCV000351213.21), dbSNP rs371157628, ClinGen allele CA3204869.

ClinVar aggregate classification (germline): Conflicting classifications of pathogenicity. Review status: criteria provided, conflicting classifications (1 of 4 stars). 6 submissions from 6 submitters: Uncertain significance (2); Likely benign (3). 1 of the submissions does not count toward it. Last evaluated 2026-03-27.

Conditions:
Primary ciliary dyskinesia. Also called: Ciliary dyskinesia. Identifiers: Orphanet 244, MedGen C0008780, MONDO:0016575, HP:0012265.
Primary ciliary dyskinesia 3. Identifiers: Orphanet 244, MedGen C1837618, MONDO:0012085, OMIM 608644.

Allele frequency attached by ClinVar (database versions not stated): gnomAD exomes 0.00016 and 0.00008; TOPMed 0.00005; gnomAD 0.00008 and 0.00009; ExAC 0.00010; ESP Exome Variant Server 0.00015.
gnomAD v4.1: 251 of 1,613,396 alleles (0.016%); highest among the groups gnomAD compares: East Asian, 0.027%; no homozygotes.

Submissions (6):

Myriad Genetics, Inc.
Classification: Uncertain significance for Primary ciliary dyskinesia 3. Last evaluated: 2026-03-27. Review status: criteria provided, single submitter. Criteria: Myriad Autosomal Dominant, Autosomal Recessive and X-Linked Classification Criteria (2023). Collection method: clinical testing. Allele origin: unknown.
Comment: NM_001369.2(DNAH5):c.1362A>G(aka K454=) is a silent variant classified as a variant of uncertain significance in the context of primary ciliary dyskinesia, DNAH5-related. K454= has been observed in a case with relevant disease (PMID: 40670315). Relevant functional assessments of this variant are not available in the literature. K454= has been observed in referenced population frequency databases. In summary, there is insufficient evidence to classify NM_001369.2(DNAH5):c.1362A>G(aka K454=) as pathogenic or benign. Please note: this variant was assessed in the context of healthy population screening.

Labcorp Genetics (formerly Invitae), Labcorp
Classification: Likely benign for Primary ciliary dyskinesia. Last evaluated: 2026-01-12. Review status: criteria provided, single submitter. Criteria: Invitae Variant Classification Sherloc (09022015). Collection method: clinical testing. Allele origin: germline.

Blueprint Genetics
Classification: Likely benign. Last evaluated: 2024-07-08. Review status: criteria provided, single submitter. Criteria: ACMG Guidelines, 2015. Collection method: clinical testing. Allele origin: germline.

Ambry Genetics
Classification: Likely benign for Primary ciliary dyskinesia. Last evaluated: 2020-11-19. Review status: criteria provided, single submitter. Criteria: Ambry Variant Classification Scheme 2023. Collection method: clinical testing. Allele origin: germline.

Illumina Laboratory Services, Illumina
Classification: Uncertain significance for Primary ciliary dyskinesia 3. Last evaluated: 2018-01-12. Review status: criteria provided, single submitter. Criteria: ICSL Variant Classification Criteria 13 December 2019. Collection method: clinical testing. Allele origin: germline.

Natera, Inc.
Classification: Uncertain significance for Primary ciliary dyskinesia. Last evaluated: 2019-10-28. Review status: no assertion criteria provided. Collection method: clinical testing. Allele origin: germline. Not counted in ClinVar's aggregate classification.

Literature cited by the submitters: PubMed 40670315 (cited by Myriad Genetics, Inc.).